The following is an entry in ClinVar:

ClinVar aggregate classification (germline): Uncertain significance (1 of 4 stars; one submission).

Allele frequency attached by ClinVar (database versions not stated): TOPMed below 0.00001; ExAC 0.00001; gnomAD 0.00001; gnomAD exomes 0.00001.

Submission:

Labcorp Genetics (formerly Invitae), Labcorp
Classification: Uncertain significance. Last evaluated: 2022-03-26. Review status: criteria provided, single submitter. Criteria: Invitae Variant Classification Sherloc (09022015). Collection method: clinical testing. Allele origin: germline.
Comment: In summary, the available evidence is currently insufficient to determine the role of this variant in disease. Therefore, it has been classified as a Variant of Uncertain Significance. Algorithms developed to predict the effect of missense changes on protein structure and function are either unavailable or do not agree on the potential impact of this missense change (SIFT: "Not Available"; PolyPhen-2: "Benign"; Align-GVGD: "Not Available"). This variant has not been reported in the literature in individuals affected with EGF-related conditions. This variant is present in population databases (rs776647507, gnomAD 0.003%). This sequence change replaces arginine, which is basic and polar, with cysteine, which is neutral and slightly polar, at codon 403 of the EGF protein (p.Arg403Cys).

NM_001963.6(EGF):c.1207C>T (p.Arg403Cys)

Gene: EGF (epidermal growth factor; plus strand). Cytogenetic location: 4q25.
Variant type: single nucleotide variant.
Coding change: c.1207C>T on transcript NM_001963.6 (MANE Select); coding-DNA position 1207, C replaced by T.
Protein change: p.Arg403Cys; replaces arginine 403 with cysteine.
Molecular consequence: missense variant.
Genome position (GRCh38, 1-based): chr4:109,961,880, C>T. VCF-style: chr4-109961880-C-T. GRCh37 (hg19) VCF-style: chr4-110883036-C-T.
Other names: c.1207C>T, p.Arg403Cys (NM_001178130.3); c.1081C>T, p.Arg361Cys (NM_001178131.3, NM_001357021.2); short protein forms R403C, R361C.
Identifiers: ClinVar variation 2176401 (VCV002176401.4), dbSNP rs776647507, ClinGen allele CA3043614.